The following is an entry in ClinVar:

NM_014319.5(LEMD3):c.2474T>C (p.Val825Ala)

Gene: LEMD3 (LEM domain containing 3; plus strand). Cytogenetic location: 12q14.3.
Variant type: single nucleotide variant.
Coding change: c.2474T>C on transcript NM_014319.5 (MANE Select); coding-DNA position 2474, T replaced by C.
Protein change: p.Val825Ala; replaces valine 825 with alanine.
Molecular consequence: missense variant.
Genome position (GRCh38, 1-based): chr12:65,245,755, T>C. VCF-style: chr12-65245755-T-C. GRCh37 (hg19) VCF-style: chr12-65639535-T-C.
Other names: c.2471T>C, p.Val824Ala (NM_001167614.2); short protein forms V824A, V825A.
Identifiers: ClinVar variation 3621838 (VCV003621838.2).

ClinVar aggregate classification (germline): Uncertain significance (1 of 4 stars; one submission).

gnomAD v4.1: 1 of 1,613,644 alleles (0.000062%); no homozygotes.

Submission:

Labcorp Genetics (formerly Invitae), Labcorp
Classification: Uncertain significance. Last evaluated: 2024-03-30. Review status: criteria provided, single submitter. Criteria: Invitae Variant Classification Sherloc (09022015). Collection method: clinical testing. Allele origin: germline.
Comment: This sequence change replaces valine, which is neutral and non-polar, with alanine, which is neutral and non-polar, at codon 825 of the LEMD3 protein (p.Val825Ala). This variant is not present in population databases (gnomAD no frequency). This variant has not been reported in the literature in individuals affected with LEMD3-related conditions. Advanced modeling of protein sequence and biophysical properties (such as structural, functional, and spatial information, amino acid conservation, physicochemical variation, residue mobility, and thermodynamic stability) performed at Invitae indicates that this missense variant is expected to disrupt LEMD3 protein function with a positive predictive value of 80%. In summary, the available evidence is currently insufficient to determine the role of this variant in disease. Therefore, it has been classified as a Variant of Uncertain Significance.